The following is an entry in ClinVar:

ClinVar aggregate classification (germline): Uncertain significance (1 of 4 stars; one submission).

gnomAD v4.1: 1 of 1,612,072 alleles (0.000062%); highest among the groups gnomAD compares: Non-Finnish European, 0.000085%; no homozygotes.

Submission:

Women's Health and Genetics/Laboratory Corporation of America, LabCorp
Classification: Uncertain significance. Last evaluated: 2023-07-03. Review status: criteria provided, single submitter. Criteria: LabCorp Variant Classification Summary - May 2015. Collection method: clinical testing. Allele origin: germline.
Comment: Variant summary: PPP3CA c.1491C>A (p.Asn497Lys) results in a non-conservative amino acid change in the encoded protein sequence. Three of five in-silico tools predict a benign effect of the variant on protein function. The variant was absent in 249256 control chromosomes (gnomAD). The available data on variant occurrences in the general population are insufficient to allow any conclusion about variant significance. To our knowledge, no occurrence of c.1491C>A in individuals affected with Epileptic Encephalopathy, Infantile Or Early Childhood, 1 and no experimental evidence demonstrating its impact on protein function have been reported. No submitters have cited clinical-significance assessments for this variant to ClinVar after 2014. Based on the evidence outlined above, the variant was classified as uncertain significance.

NM_000944.5(PPP3CA):c.1491C>A (p.Asn497Lys)

Gene: PPP3CA (protein phosphatase 3 catalytic subunit alpha; minus strand). Cytogenetic location: 4q24.
Variant type: single nucleotide variant.
Coding change: c.1491C>A on transcript NM_000944.5 (MANE Select); coding-DNA position 1491, C replaced by A.
Protein change: p.Asn497Lys; replaces asparagine 497 with lysine.
Molecular consequence: missense variant.
Genome position (GRCh38, 1-based): chr4:101,025,940, G>T on the plus strand (C>A on the coding strand, the complement: PPP3CA is on the minus strand). VCF-style: chr4-101025940-G-T. GRCh37 (hg19) VCF-style: chr4-101947097-G-T.
Other names: c.1461C>A, p.Asn487Lys (NM_001130691.2); c.1335C>A, p.Asn445Lys (NM_001130692.2); short protein forms N445K, N487K, N497K.
Identifiers: ClinVar variation 2577329 (VCV002577329.1), dbSNP rs1222451366, ClinGen allele CA357947578.